The following is an entry in ClinVar:

NM_032447.5(FBN3):c.2416+7G>A

Gene: FBN3 (fibrillin 3; minus strand). Cytogenetic location: 19p13.2.
Variant type: single nucleotide variant.
Coding change: c.2416+7G>A on transcript NM_032447.5 (MANE Select); 7 bases into the intron after coding-DNA position 2416, G replaced by A.
Molecular consequence: intron variant.
Genome position (GRCh38, 1-based): chr19:8,126,706, C>T on the plus strand (G>A on the coding strand, the complement: FBN3 is on the minus strand). VCF-style: chr19-8126706-C-T. GRCh37 (hg19) VCF-style: chr19-8191590-C-T.
Other names: c.2416+7G>A (NM_001321431.1, NM_001321431.2).
Identifiers: ClinVar variation 734210 (VCV000734210.13), dbSNP rs114251933, ClinGen allele CA9152914.

ClinVar aggregate classification (germline): Benign. Review status: criteria provided, multiple submitters, no conflicts (2 of 4 stars). 3 submissions from 3 submitters: Benign (2). 1 of the submissions does not count toward it. Last evaluated 2026-01-19.

Conditions:
FBN3-related disorder. Also called: FBN3-related condition.

Allele frequency attached by ClinVar (database versions not stated): ExAC 0.00223; gnomAD 0.00607 and 0.00632; gnomAD exomes 0.00059 and 0.00162; TOPMed 0.00633; ESP Exome Variant Server 0.00730; 1000 Genomes Project 0.00978; 1000 Genomes Project 30x 0.01109.
gnomAD v4.1: 1,769 of 1,581,730 alleles (0.11%); highest among the groups gnomAD compares: African/African-American, 2.2%; 24 homozygotes.

Submissions (3):

Labcorp Genetics (formerly Invitae), Labcorp
Classification: Benign. Last evaluated: 2026-01-19. Review status: criteria provided, single submitter. Criteria: Invitae Variant Classification Sherloc (09022015). Collection method: clinical testing. Allele origin: germline.

Breakthrough Genomics
Classification: Benign. Review status: criteria provided, single submitter. Criteria: ACMG Guidelines, 2015. Collection method: not provided. Allele origin: germline. Inheritance: Unknown mechanism. Affected: yes.

PreventionGenetics, part of Exact Sciences
Classification: Benign for FBN3-related condition. Last evaluated: 2019-04-10. Review status: no assertion criteria provided. Collection method: clinical testing. Allele origin: germline. Not counted in ClinVar's aggregate classification.
Comment: This variant is classified as benign based on ACMG/AMP sequence variant interpretation guidelines (Richards et al. 2015 PMID: 25741868, with internal and published modifications).